The following is an entry in ClinVar:

ClinVar aggregate classification (germline): Uncertain significance (1 of 4 stars; one submission).

Submission:

Labcorp Genetics (formerly Invitae), Labcorp
Classification: Uncertain significance. Last evaluated: 2022-07-25. Review status: criteria provided, single submitter. Criteria: Invitae Variant Classification Sherloc (09022015). Collection method: clinical testing. Allele origin: germline.
Comment: Algorithms developed to predict the effect of missense changes on protein structure and function are either unavailable or do not agree on the potential impact of this missense change (SIFT: "Deleterious"; PolyPhen-2: "Not Available"; Align-GVGD: "Class C0"). In summary, the available evidence is currently insufficient to determine the role of this variant in disease. Therefore, it has been classified as a Variant of Uncertain Significance. This variant has not been reported in the literature in individuals affected with PDZD7-related conditions. This variant is not present in population databases (gnomAD no frequency). This sequence change replaces methionine, which is neutral and non-polar, with leucine, which is neutral and non-polar, at codon 64 of the PDZD7 protein (p.Met64Leu).

NM_001195263.2(PDZD7):c.190A>C (p.Met64Leu)

Gene: PDZD7 (PDZ domain containing 7; minus strand). Cytogenetic location: 10q24.31.
Variant type: single nucleotide variant.
Coding change: c.190A>C on transcript NM_001195263.2 (MANE Select); coding-DNA position 190, A replaced by C.
Protein change: p.Met64Leu; replaces methionine 64 with leucine.
Molecular consequence: missense variant.
Genome position (GRCh38, 1-based): chr10:101,030,030, T>G on the plus strand (A>C on the coding strand, the complement: PDZD7 is on the minus strand). VCF-style: chr10-101030030-T-G. GRCh37 (hg19) VCF-style: chr10-102789787-T-G.
Other names: c.190A>C, p.Met64Leu (NM_001351044.2, NM_024895.5); short protein forms M64L.
Identifiers: ClinVar variation 1713784 (VCV001713784.5), dbSNP rs2493051735, ClinGen allele CA378231225.